The following is an entry in ClinVar:

ClinVar aggregate classification (germline): Uncertain significance. Review status: criteria provided, multiple submitters, no conflicts (2 of 4 stars). 2 submissions from 2 submitters: Uncertain significance (2). Last evaluated 2025-12-03.

Allele frequency attached by ClinVar (database versions not stated): ExAC 0.00005; gnomAD 0.00006; TOPMed 0.00006; gnomAD exomes 0.00009; ESP Exome Variant Server 0.00015.
gnomAD v4.1: 143 of 1,613,410 alleles (0.0089%); highest among the groups gnomAD compares: Middle Eastern, 0.016%; no homozygotes.

Submissions (2):

Labcorp Genetics (formerly Invitae), Labcorp
Classification: Uncertain significance. Last evaluated: 2025-12-03. Review status: criteria provided, single submitter. Criteria: Invitae Variant Classification Sherloc (09022015). Collection method: clinical testing. Allele origin: germline.
Comment: This sequence change replaces arginine, which is basic and polar, with histidine, which is basic and polar, at codon 705 of the IFT88 protein (p.Arg705His). This variant is present in population databases (rs373832683, gnomAD 0.01%). This variant has not been reported in the literature in individuals affected with IFT88-related conditions. ClinVar contains an entry for this variant (Variation ID: 2190799). An algorithm developed to predict the effect of missense changes on protein structure and function (PolyPhen-2) suggests that this variant is likely to be disruptive. In summary, the available evidence is currently insufficient to determine the role of this variant in disease. Therefore, it has been classified as a Variant of Uncertain Significance.

Ambry Genetics
Classification: Uncertain significance. Last evaluated: 2025-08-04. Review status: criteria provided, single submitter. Criteria: Ambry Variant Classification Scheme 2023. Collection method: clinical testing. Allele origin: germline.

NM_006531.5(IFT88):c.2087G>A (p.Arg696His)

Gene: IFT88 (intraflagellar transport 88; plus strand). Cytogenetic location: 13q12.11.
Variant type: single nucleotide variant.
Coding change: c.2087G>A on transcript NM_006531.5 (MANE Select); coding-DNA position 2087, G replaced by A.
Protein change: p.Arg696His; replaces arginine 696 with histidine.
Molecular consequence: missense variant. On other transcripts: synonymous variant (1), non-coding transcript variant (5).
Genome position (GRCh38, 1-based): chr13:20,663,516, G>A. VCF-style: chr13-20663516-G-A. GRCh37 (hg19) VCF-style: chr13-21237655-G-A.
Other names: c.2114G>A (NM_175605.3); c.2030G>A, p.Arg677His (NM_001318491.2); c.2114G>A, p.Arg705His (NM_001318493.2, NM_001353565.2, NM_001353566.2 and 2 more transcripts); c.2087G>A, p.Arg696His (NM_001353568.2, NM_001353572.2); c.2012G>A, p.Arg671His (NM_001353569.2, NM_001353570.2, NM_001353576.2 and 1 more transcripts); c.1985G>A, p.Arg662His (NM_001353571.2, NM_001353578.2); c.1943G>A, p.Arg648His (NM_001353573.2); c.1928G>A, p.Arg643His (NM_001353574.2); and 2 more; short protein forms R643H, R671H, R705H, R485H, R648H, R662H, R677H, R696H.
Identifiers: ClinVar variation 2190799 (VCV002190799.5), dbSNP rs373832683, ClinGen allele CA6905673.
Genomic context (GRCh38, chr13:20,663,516, plus strand): 5'-CTGTGCCTATATTCTTTCCTAAATGTATATTTTACAATTTAGGTCTGCGTTTCTTAGTTC[G>A]TCTCTGCACAGATCTTGGATTAAAAGATGCTCAAGAATATGCCAGAAAACTGAAGAGGTT-3'
Protein context (NP_006522.2, residues 686-706): ENVECLRFLV[Arg696His]LCTDLGLKDA